The following is an entry in ClinVar:

NM_001197104.2(KMT2A):c.5435A>C (p.Glu1812Ala)

Gene: KMT2A (lysine methyltransferase 2A; plus strand). Cytogenetic location: 11q23.3.
Variant type: single nucleotide variant.
Coding change: c.5435A>C on transcript NM_001197104.2 (MANE Select); coding-DNA position 5435, A replaced by C.
Protein change: p.Glu1812Ala; replaces glutamic acid 1812 with alanine.
Molecular consequence: missense variant.
Genome position (GRCh38, 1-based): chr11:118,495,771, A>C. VCF-style: chr11-118495771-A-C. GRCh37 (hg19) VCF-style: chr11-118366486-A-C.
Other names: c.5525A>C, p.Glu1842Ala (NM_001412597.1); c.5426A>C, p.Glu1809Ala (NM_005933.4); short protein forms E1809A, E1842A, E1812A.
Identifiers: ClinVar variation 1977724 (VCV001977724.5), dbSNP rs1950398806, ClinGen allele CA382838654.

ClinVar aggregate classification (germline): Uncertain significance (1 of 4 stars; one submission).

Submission:

Labcorp Genetics (formerly Invitae), Labcorp
Classification: Uncertain significance. Last evaluated: 2021-12-22. Review status: criteria provided, single submitter. Criteria: Invitae Variant Classification Sherloc (09022015). Collection method: clinical testing. Allele origin: germline.
Comment: In summary, the available evidence is currently insufficient to determine the role of this variant in disease. Therefore, it has been classified as a Variant of Uncertain Significance. Algorithms developed to predict the effect of missense changes on protein structure and function are either unavailable or do not agree on the potential impact of this missense change (SIFT: "Tolerated"; PolyPhen-2: "Probably Damaging"; Align-GVGD: "Class C0"). This variant has not been reported in the literature in individuals affected with KMT2A-related conditions. This variant is not present in population databases (gnomAD no frequency). This sequence change replaces glutamic acid, which is acidic and polar, with alanine, which is neutral and non-polar, at codon 1812 of the KMT2A protein (p.Glu1812Ala).